The following is an entry in ClinVar:

ClinVar aggregate classification (germline): Uncertain significance. Review status: criteria provided, multiple submitters, no conflicts (2 of 4 stars). 2 submissions from 2 submitters: Uncertain significance (2). Last evaluated 2023-08-17.

Conditions:
Charcot-Marie-Tooth disease type 4. Also called: Charcot-Marie-Tooth, Type 4; Charcot-Marie-Tooth disease, type IV. Identifiers: Orphanet 64749, MedGen C4082197, MONDO:0018995.
Inborn genetic diseases. Identifiers: MedGen C0950123, MeSH D030342.

Allele frequency attached by ClinVar (database versions not stated): gnomAD 0.00001; gnomAD exomes 0.00001; TOPMed 0.00001.
gnomAD v4.1: 16 of 1,613,604 alleles (0.00099%); highest among the groups gnomAD compares: African/African-American, 0.0027%; no homozygotes.

Submissions (2):

Labcorp Genetics (formerly Invitae), Labcorp
Classification: Uncertain significance for Charcot-Marie-Tooth disease type 4. Last evaluated: 2023-08-17. Review status: criteria provided, single submitter. Criteria: Invitae Variant Classification Sherloc (09022015). Collection method: clinical testing. Allele origin: germline.
Comment: In summary, the available evidence is currently insufficient to determine the role of this variant in disease. Therefore, it has been classified as a Variant of Uncertain Significance. An algorithm developed to predict the effect of missense changes on protein structure and function (PolyPhen-2) suggests that this variant is likely to be disruptive. ClinVar contains an entry for this variant (Variation ID: 1476374). This variant has not been reported in the literature in individuals affected with FIG4-related conditions. This variant is not present in population databases (gnomAD no frequency). This sequence change replaces aspartic acid, which is acidic and polar, with glycine, which is neutral and non-polar, at codon 613 of the FIG4 protein (p.Asp613Gly).

Ambry Genetics
Classification: Uncertain significance for Inborn genetic diseases. Last evaluated: 2022-12-19. Review status: criteria provided, single submitter. Criteria: Ambry Variant Classification Scheme 2023. Collection method: clinical testing. Allele origin: germline.

NM_014845.6(FIG4):c.1838A>G (p.Asp613Gly)

Gene: FIG4 (FIG4 phosphoinositide 5-phosphatase; plus strand). Cytogenetic location: 6q21.
Variant type: single nucleotide variant.
Coding change: c.1838A>G on transcript NM_014845.6 (MANE Select); coding-DNA position 1838, A replaced by G.
Protein change: p.Asp613Gly; replaces aspartic acid 613 with glycine.
Molecular consequence: missense variant.
Genome position (GRCh38, 1-based): chr6:109,777,009, A>G. VCF-style: chr6-109777009-A-G. GRCh37 (hg19) VCF-style: chr6-110098212-A-G.
Other names: c.1838A>G (NM_014845.5); short protein forms D613G.
Identifiers: ClinVar variation 1476374 (VCV001476374.9), dbSNP rs1243225247, ClinGen allele CA365230193.